The following is an entry in ClinVar:

NM_002047.4(GARS1):c.194C>T (p.Ala65Val)

Gene: GARS1 (glycyl-tRNA synthetase 1; plus strand). Cytogenetic location: 7p14.3.
Variant type: single nucleotide variant.
Coding change: c.194C>T on transcript NM_002047.4 (MANE Select); coding-DNA position 194, C replaced by T.
Protein change: p.Ala65Val; replaces alanine 65 with valine.
Molecular consequence: missense variant.
Genome position (GRCh38, 1-based): chr7:30,595,115, C>T. VCF-style: chr7-30595115-C-T. GRCh37 (hg19) VCF-style: chr7-30634731-C-T.
Other names: c.32C>T, p.Ala11Val (NM_001316772.1); short protein forms A11V, A65V.
Identifiers: ClinVar variation 1680883 (VCV001680883.8), dbSNP rs1179352387, ClinGen allele CA367138730.

ClinVar aggregate classification (germline): Uncertain significance (1 of 4 stars; one submission).

Conditions:
Charcot-Marie-Tooth disease type 2. Also called: Charcot-Marie-Tooth type 2. Identifiers: Orphanet 64746, MedGen C0270914, MONDO:0018993.

Submission:

Labcorp Genetics (formerly Invitae), Labcorp
Classification: Uncertain significance for Charcot-Marie-Tooth disease type 2. Last evaluated: 2020-12-20. Review status: criteria provided, single submitter. Criteria: Invitae Variant Classification Sherloc (09022015). Collection method: clinical testing. Allele origin: germline.
Comment: This sequence change replaces alanine with valine at codon 65 of the GARS protein (p.Ala65Val). The alanine residue is highly conserved and there is a small physicochemical difference between alanine and valine. In summary, the available evidence is currently insufficient to determine the role of this variant in disease. Therefore, it has been classified as a Variant of Uncertain Significance. Algorithms developed to predict the effect of sequence changes on RNA splicing suggest that this variant may create or strengthen a splice site, but this prediction has not been confirmed by published transcriptional studies. Algorithms developed to predict the effect of missense changes on protein structure and function are either unavailable or do not agree on the potential impact of this missense change (SIFT: "Deleterious"; PolyPhen-2: "Benign"; Align-GVGD: "Class C0"). This variant has not been reported in the literature in individuals with GARS-related conditions. The frequency data for this variant in the population databases is considered unreliable, as metrics indicate insufficient coverage at this position in the ExAC database.